The following is an entry in ClinVar:

ClinVar aggregate classification (germline): Uncertain significance. Review status: criteria provided, multiple submitters, no conflicts (2 of 4 stars). 2 submissions from 2 submitters: Uncertain significance (2). Last evaluated 2025-08-14.

Conditions:
Neurofibromatosis, type 1 (NF1). Also called: NEUROFIBROMATOSIS, TYPE I, SOMATIC; VON RECKLINGHAUSEN DISEASE; Peripheral type neurofibromatosis; Neurofibromatosis, type I. Identifiers: Orphanet 636, MedGen C0027831, MONDO:0018975, OMIM 162200. Disease mechanism: loss of function.

Submissions (2):

Labcorp Genetics (formerly Invitae), Labcorp
Classification: Uncertain significance for Neurofibromatosis, type 1. Last evaluated: 2025-08-14. Review status: criteria provided, single submitter. Criteria: Invitae Variant Classification Sherloc (09022015). Collection method: clinical testing. Allele origin: germline.
Comment: This sequence change falls in intron 11 of the NF1 gene. It does not directly change the encoded amino acid sequence of the NF1 protein. It affects a nucleotide within the consensus splice site. This variant is not present in population databases (gnomAD no frequency). This variant has not been reported in the literature in individuals affected with NF1-related conditions. ClinVar contains an entry for this variant (Variation ID: 547587). Variants that disrupt the consensus splice site are a relatively common cause of aberrant splicing (PMID: 17576681, 9536098). Algorithms developed to predict the effect of sequence changes on RNA splicing suggest that this variant may disrupt the consensus splice site. In summary, the available evidence is currently insufficient to determine the role of this variant in disease. Therefore, it has been classified as a Variant of Uncertain Significance.

Center for Human Genetics, Inc
Classification: Uncertain significance for Neurofibromatosis, type 1. Last evaluated: 2016-11-01. Review status: criteria provided, single submitter. Criteria: ACMG Guidelines, 2015. Collection method: clinical testing. Allele origin: germline. Affected: yes.

Literature cited by the submitters: PubMed 17576681 (cited by Labcorp Genetics (formerly Invitae), Labcorp); PubMed 9536098 (cited by Labcorp Genetics (formerly Invitae), Labcorp).

NM_001042492.3(NF1):c.1260+6T>G

Gene: NF1 (neurofibromin 1; plus strand). Cytogenetic location: 17q11.2.
Variant type: single nucleotide variant.
Coding change: c.1260+6T>G on transcript NM_001042492.3 (MANE Select); 6 bases into the intron after coding-DNA position 1260, T replaced by G.
Molecular consequence: intron variant.
Genome position (GRCh38, 1-based): chr17:31,201,491, T>G. VCF-style: chr17-31201491-T-G. GRCh37 (hg19) VCF-style: chr17-29528509-T-G.
Other names: c.1260+6T>G (NM_000267.4, NM_001128147.3).
Identifiers: ClinVar variation 547587 (VCV000547587.2), dbSNP rs1555611111, ClinGen allele CA658825052.
Genomic context (GRCh38, chr17:31,201,491, plus strand): 5'-ACCTTCTACATTTCACTATGTGCTGGTAAATTCACTCCATCGAATCATCACCAATGTAAG[T>G]CCAAAAGGTATTGCTAAATTACTAAAAAAATTTTTTTCTTTCTTTTCTTTGCGTATTTCT-3'